The following is an entry in ClinVar:

ClinVar aggregate classification (germline): Uncertain significance. Review status: criteria provided, single submitter (1 of 4 stars). 2 submissions from 2 submitters: Uncertain significance (1). 1 of the submissions does not count toward it. Last evaluated 2021-11-10.

Conditions:
Inborn genetic diseases. Identifiers: MedGen C0950123, MeSH D030342.
LRRK2-related disorder. Also called: LRRK2-related condition.

Allele frequency attached by ClinVar (database versions not stated): gnomAD exomes below 0.00001; gnomAD 0.00001.
gnomAD v4.1: 3 of 1,613,624 alleles (0.00019%); highest among the groups gnomAD compares: South Asian, 0.0033%; no homozygotes.

Submissions (2):

Ambry Genetics
Classification: Uncertain significance for Inborn genetic diseases. Last evaluated: 2021-11-10. Review status: criteria provided, single submitter. Criteria: Ambry Variant Classification Scheme 2023. Collection method: clinical testing. Allele origin: germline.
Comment: The p.A352V variant (also known as c.1055C>T), located in coding exon 9 of the LRRK2 gene, results from a C to T substitution at nucleotide position 1055. The alanine at codon 352 is replaced by valine, an amino acid with similar properties. This amino acid position is conserved. In addition, this alteration is predicted to be tolerated by in silico analysis. Since supporting evidence is limited at this time, the clinical significance of this alteration remains unclear.

PreventionGenetics, part of Exact Sciences
Classification: Uncertain significance for LRRK2-related condition. Last evaluated: 2024-01-18. Review status: no assertion criteria provided. Collection method: clinical testing. Allele origin: germline. Not counted in ClinVar's aggregate classification.
Comment: The LRRK2 c.1055C>T variant is predicted to result in the amino acid substitution p.Ala352Val. To our knowledge, this variant has not been reported in the literature. This variant is reported in 0.0033% of alleles in individuals of South Asian descent in gnomAD. At this time, the clinical significance of this variant is uncertain due to the absence of conclusive functional and genetic evidence.

NM_198578.4(LRRK2):c.1055C>T (p.Ala352Val)

Gene: LRRK2 (leucine rich repeat kinase 2; plus strand). Cytogenetic location: 12q12.
Variant type: single nucleotide variant.
Coding change: c.1055C>T on transcript NM_198578.4 (MANE Select); coding-DNA position 1055, C replaced by T.
Protein change: p.Ala352Val; replaces alanine 352 with valine.
Molecular consequence: missense variant.
Genome position (GRCh38, 1-based): chr12:40,251,328, C>T. VCF-style: chr12-40251328-C-T. GRCh37 (hg19) VCF-style: chr12-40645130-C-T.
Other names: short protein forms A352V.
Identifiers: ClinVar variation 1778374 (VCV001778374.4), dbSNP rs1480975239, ClinGen allele CA384407915.